The following is an entry in ClinVar:

NM_000414.4(HSD17B4):c.1504-2del

Gene: HSD17B4 (hydroxysteroid 17-beta dehydrogenase 4; plus strand). Cytogenetic location: 5q23.1.
Variant type: Deletion.
Coding change: c.1504-2del on transcript NM_000414.4 (MANE Select); the canonical splice acceptor site of the intron before coding-DNA position 1504, one base deleted (A; older notation c.1504-2delA).
Molecular consequence: splice acceptor variant.
Genome position (GRCh38, 1-based): chr5:119,525,214, A deleted. VCF-style (leftmost placement, unchanged base first): chr5-119525213-CA-C. GRCh37 (hg19) VCF-style: chr5-118860908-CA-C.
Other names: c.1093-2del (NM_001374503.1, NM_001374502.1, NM_001374501.1); c.1579-2del (NM_001199291.3); c.1177-2del (NM_001374499.1); c.1063-2del (NM_001374500.1); c.1084-2del (NM_001292028.2); c.1432-2del (NM_001292027.2, NM_001374498.1); c.1495-2del (NM_001374497.1); c.1450-2del (NM_001199292.2).
Identifiers: ClinVar variation 4818342 (VCV004818342.1).

ClinVar aggregate classification (germline): Likely pathogenic (1 of 4 stars; one submission).

Conditions:
Bifunctional peroxisomal enzyme deficiency (DBIF). Also called: DBP DEFICIENCY; PBFE DEFICIENCY; D-bifunctional protein deficiency. Identifiers: Orphanet 300, MedGen C0342870, MONDO:0009855, OMIM 261515. Disease mechanism: loss of function.

Submission:

Natera, Inc.
Classification: Likely pathogenic for Bifunctional peroxisomal enzyme deficiency. Last evaluated: 2024-07-31. Review status: criteria provided, single submitter. Criteria: Natera Variant Classification Schema (03/2026). Collection method: clinical testing. Allele origin: germline.
Comment: The c.1504-2del variant in HSD17B4 is a canonical splice acceptor site variant predicted to affect pre-mRNA splicing, which may result in an abnormal transcript and altered protein product. This variant is expected to result in nonsense mediated decay, truncation, or a dysfunctional protein product. This variant is rare in the general population with a frequency below the threshold expected for the associated phenotype(s). Given the available evidence, this variant is classified as Likely Pathogenic.